The following is an entry in ClinVar:

ClinVar aggregate classification (germline): Likely benign (0 of 4 stars; one submission).

Conditions:
VPS13B-related disorder. Also called: VPS13B-related condition.

Submission:

PreventionGenetics, part of Exact Sciences
Classification: Likely benign for VPS13B-related condition. Last evaluated: 2022-11-04. Review status: no assertion criteria provided. Collection method: clinical testing. Allele origin: germline.
Comment: This variant is classified as likely benign based on ACMG/AMP sequence variant interpretation guidelines (Richards et al. 2015 PMID: 25741868, with internal and published modifications).

NM_152564.5(VPS13B):c.11226T>C (p.Ala3742=)

Gene: VPS13B (vacuolar protein sorting 13 homolog B; plus strand). Cytogenetic location: 8q22.2.
Variant type: single nucleotide variant.
Coding change: c.11226T>C on transcript NM_152564.5 (MANE Select); coding-DNA position 11226, T replaced by C.
Protein change: p.Ala3742=; no amino-acid change (alanine 3742 retained).
Molecular consequence: synonymous variant.
Genome position (GRCh38, 1-based): chr8:99,868,299, T>C. VCF-style: chr8-99868299-T-C. GRCh37 (hg19) VCF-style: chr8-100880527-T-C.
Other names: c.11301T>C, p.Ala3767= (NM_017890.5).
Identifiers: ClinVar variation 3353432 (VCV003353432.1).
Genomic context (GRCh38, chr8:99,868,299, plus strand): 5'-TTCCGAGGATTTTAAGCCTCTGTCCTTACTGAGGGCTTTTGTTATTCCAGGTGCAATTGC[T>C]GGTATAGTTGATCAGCCGATGCAGAACTTCCAGAAAACATCTGAGGCACAGGCTTCAGCA-3'
Protein context (NP_689777.3, residues 3732-3752): RLGISLLGAI[Ala3742=]GIVDQPMQNF